The following is an entry in ClinVar:

NM_004568.6(SERPINB6):c.29C>A (p.Thr10Asn)

Gene: SERPINB6 (serpin family B member 6; minus strand). Cytogenetic location: 6p25.2.
Variant type: single nucleotide variant.
Coding change: c.29C>A on transcript NM_004568.6 (MANE Select); coding-DNA position 29, C replaced by A.
Protein change: p.Thr10Asn; replaces threonine 10 with asparagine.
Molecular consequence: missense variant. On other transcripts: non-coding transcript variant (1), intron variant (1).
Genome position (GRCh38, 1-based): chr6:2,959,304, G>T on the plus strand (C>A on the coding strand, the complement: SERPINB6 is on the minus strand). VCF-style: chr6-2959304-G-T. GRCh37 (hg19) VCF-style: chr6-2959538-G-T.
Other names: c.41C>A, p.Thr14Asn (NM_001195291.3, NM_001374515.1); c.71C>A, p.Thr24Asn (NM_001271822.2); c.86C>A, p.Thr29Asn (NM_001271823.2); c.29C>A, p.Thr10Asn (NM_001271824.2, NM_001271825.2, NM_001297699.2 and 2 more transcripts); c.34-3634C>A (NM_001374517.1); short protein forms T10N, T14N, T24N, T29N.
Identifiers: ClinVar variation 3602470 (VCV003602470.2).

ClinVar aggregate classification (germline): Uncertain significance (1 of 4 stars; one submission).

gnomAD v4.1: 11 of 1,614,176 alleles (0.00068%); highest among the groups gnomAD compares: Admixed American, 0.012%; no homozygotes.

Submission:

GeneDx
Classification: Uncertain significance. Last evaluated: 2025-08-26. Review status: criteria provided, single submitter. Criteria: GeneDx Variant Classification Process June 2021. Collection method: clinical testing. Allele origin: germline. Affected: yes.
Comment: In silico analysis supports that this missense variant has a deleterious effect on protein structure/function; Has not been previously published as pathogenic or benign to our knowledge